The following is an entry in ClinVar:

NM_001190787.3(MCIDAS):c.120+3G>A

Gene: MCIDAS (multiciliate differentiation and DNA synthesis associated cell cycle protein; minus strand). Cytogenetic location: 5q11.2.
Variant type: single nucleotide variant.
Coding change: c.120+3G>A on transcript NM_001190787.3 (MANE Select); 3 bases into the intron after coding-DNA position 120, G replaced by A.
Molecular consequence: intron variant.
Genome position (GRCh38, 1-based): chr5:55,227,016, C>T on the plus strand (G>A on the coding strand, the complement: MCIDAS is on the minus strand). VCF-style: chr5-55227016-C-T. GRCh37 (hg19) VCF-style: chr5-54522844-C-T.
Other names: p.?.
Identifiers: ClinVar variation 238618 (VCV000238618.40), dbSNP rs186341559, ClinGen allele CA3266605.

ClinVar aggregate classification (germline): Conflicting classifications of pathogenicity. Review status: criteria provided, conflicting classifications (1 of 4 stars). 5 submissions from 5 submitters: Uncertain significance (1); Benign (3); Likely benign (1). Last evaluated 2026-07-01.

Conditions:
Ciliary dyskinesia, primary, 42. Also called: CILIARY DYSKINESIA, PRIMARY, 42, WITHOUT SITUS INVERSUS. Identifiers: MedGen C5231464, MONDO:0032872, OMIM 618695.
Primary ciliary dyskinesia. Also called: Ciliary dyskinesia. Identifiers: Orphanet 244, MedGen C0008780, MONDO:0016575, HP:0012265.

Allele frequency attached by ClinVar (database versions not stated): TOPMed 0.00357; gnomAD exomes 0.00455 and 0.00501; ExAC 0.00665; 1000 Genomes Project 30x 0.00250; 1000 Genomes Project 0.00260; gnomAD 0.00332 and 0.00334.

Submissions (5):

CeGaT Center for Human Genetics Tuebingen
Classification: Likely benign. Last evaluated: 2026-07-01. Review status: criteria provided, single submitter. Criteria: CeGaT Center For Human Genetics Tuebingen Variant Classification Criteria Version 2. Collection method: clinical testing. Allele origin: germline. Affected: yes. Observed: 2 variant alleles.
Comment: MCIDAS: BP4, BS2

Labcorp Genetics (formerly Invitae), Labcorp
Classification: Benign for Primary ciliary dyskinesia. Last evaluated: 2026-01-22. Review status: criteria provided, single submitter. Criteria: Invitae Variant Classification Sherloc (09022015). Collection method: clinical testing. Allele origin: germline.

Mayo Clinic Laboratories, Mayo Clinic
Classification: Benign. Last evaluated: 2025-01-20. Review status: criteria provided, single submitter. Criteria: ACMG Guidelines, 2015. Collection method: clinical testing. Allele origin: germline. Observed: 5 variant alleles.
Comment: BS1, BS2, BP4, BP7

Genetics and Molecular Pathology, SA Pathology
Classification: Uncertain significance for Ciliary dyskinesia, primary, 42. Last evaluated: 2020-02-18. Review status: criteria provided, single submitter. Criteria: ACMG Guidelines, 2015. Collection method: clinical testing. Allele origin: germline. Inheritance: Autosomal recessive inheritance. Affected: yes.

Breakthrough Genomics
Classification: Benign. Review status: criteria provided, single submitter. Criteria: ACMG Guidelines, 2015. Collection method: not provided. Allele origin: germline. Inheritance: Autosomal recessive inheritance. Affected: yes.